The following is an entry in ClinVar:

ClinVar aggregate classification (germline): Uncertain significance (1 of 4 stars; one submission).

Conditions:
Malignant hyperthermia, susceptibility to, 1 (MHS1). Also called: Anesthesia related hyperthermia; Malignant hyperpyrexia; Fulminating hyperpyrexia; Pharmacogenic myopathy; RYR1-Related Malignant Hyperthermia Susceptibility; Malignant hyperthermia suceptibility 1. Identifiers: Orphanet 423, MedGen C2930980, MONDO:0007783, OMIM 145600.

Submission:

All of Us Research Program, National Institutes of Health
Classification: Uncertain significance for Malignant hyperthermia, susceptibility to, 1. Last evaluated: 2024-08-06. Review status: criteria provided, single submitter. Criteria: ACMG Guidelines, 2015. Collection method: clinical testing. Allele origin: germline. Inheritance: Autosomal dominant inheritance. Observed: 1 variant allele, 1 heterozygote.
Comment: This study involves interpretation of variants in research participants for the purpose of population health screening. Participant phenotype was not available at the time of variant classification. Additional details can be found in publication PMID: 35346344, PMCID: PMC8962531

NM_000540.3(RYR1):c.1254C>G (p.Asp418Glu)

Gene: RYR1 (ryanodine receptor 1; plus strand). Cytogenetic location: 19q13.2.
Variant type: single nucleotide variant.
Coding change: c.1254C>G on transcript NM_000540.3 (MANE Select); coding-DNA position 1254, C replaced by G.
Protein change: p.Asp418Glu; replaces aspartic acid 418 with glutamic acid.
Molecular consequence: missense variant.
Genome position (GRCh38, 1-based): chr19:38,452,828, C>G. VCF-style: chr19-38452828-C-G. GRCh37 (hg19) VCF-style: chr19-38943468-C-G.
Other names: c.1254C>G, p.Asp418Glu (NM_001042723.2); short protein forms D418E.
Identifiers: ClinVar variation 3387642 (VCV003387642.1).